The following is an entry in ClinVar:

NM_003000.3(SDHB):c.642_642+6del

Gene: SDHB (succinate dehydrogenase complex iron sulfur subunit B; minus strand). Cytogenetic location: 1p36.13.
Variant type: Deletion.
Coding change: c.642_642+6del on transcript NM_003000.3 (MANE Select); coding-DNA position 642 through 6 bases into the intron after coding-DNA position 642, 7 bases deleted (GGTGAGG; older notation c.642_642+6delGGTGAGG).
Molecular consequence: splice donor variant.
Genome position (GRCh38, 1-based): chr1:17,023,967-17,023,973, CCTCACC deleted on the plus strand (GGTGAGG on the coding strand, the reverse complement: SDHB is on the minus strand). VCF-style (leftmost placement, unchanged base first): chr1-17023966-ACCTCACC-A. GRCh37 (hg19) VCF-style: chr1-17350461-ACCTCACC-A.
Other names: c.642_642+6delGGTGAGG (NM_003000.2).
Identifiers: ClinVar variation 233382 (VCV000233382.11), dbSNP rs876660368, ClinGen allele CA10577670.
Genomic context (GRCh38, chr1:17,023,966, plus strand): 5'-ATTGTCCTCTTGGACTTCTGGATGCTTGAGTTTCAATTTCTCTTAAAGCAATTAAGGAGC[ACCTCACC>A]TGCATAAGAACTGCAGGCCCCAGATATTTGTCTCCGTTCCACCAGTAGCTGGGGCAGCTG-3'

ClinVar aggregate classification (germline): Pathogenic/Likely pathogenic. Review status: criteria provided, multiple submitters, no conflicts (2 of 4 stars). 2 submissions from 2 submitters: Pathogenic (1); Likely pathogenic (1). Last evaluated 2022-02-23.

Conditions:
Gastrointestinal stromal tumor. Also called: Gastrointestinal stromal tumor, somatic; Gastrointestinal stroma tumor. Identifiers: Orphanet 44890, MedGen C0238198, MeSH D046152, MONDO:0011719, OMIM 606764, HP:0100723.
Pheochromocytoma. Also called: MAX-Related Hereditary Paraganglioma-Pheochromocytoma Syndrome. Identifiers: Orphanet 29072, MedGen C0031511, MONDO:0008233, OMIM 171300, HP:0002666.
Pheochromocytoma/paraganglioma syndrome 4. Also called: PARAGANGLIOMA, FAMILIAL MALIGNANT; PARAGANGLIOMAS, HEREDITARY EXTRAADRENAL; PHEOCHROMOCYTOMA, FAMILIAL EXTRAADRENAL; Paragangliomas 4; SDHB-Related Hereditary Paraganglioma-Pheochromocytoma Syndrome (Paragangliomas 4); SDHB-Related Hereditary Paraganglioma-Pheochromocytoma Syndrome. Identifiers: Orphanet 29072, MedGen C1861848, MONDO:0007273, OMIM 115310.
Hereditary cancer-predisposing syndrome. Also called: Neoplastic Syndromes, Hereditary; Hereditary neoplastic syndrome; Hereditary Cancer Syndrome; Tumor predisposition. Identifiers: Orphanet 140162, MedGen C0027672, MeSH D009386, MONDO:0015356.

Submissions (2):

Labcorp Genetics (formerly Invitae), Labcorp
Classification: Likely pathogenic for Gastrointestinal stromal tumor; Pheochromocytoma/paraganglioma syndrome 4; Pheochromocytoma. Last evaluated: 2022-02-23. Review status: criteria provided, single submitter. Criteria: Invitae Variant Classification Sherloc (09022015). Collection method: clinical testing. Allele origin: germline.
Comment: ClinVar contains an entry for this variant (Variation ID: 233382). This variant has not been reported in the literature in individuals affected with SDHB-related conditions. This variant is not present in population databases (gnomAD no frequency). This sequence change affects a splice site in intron 6 of the SDHB gene. It is expected to disrupt RNA splicing. Variants that disrupt the donor or acceptor splice site typically lead to a loss of protein function (PMID: 16199547), and loss-of-function variants in SDHB are known to be pathogenic (PMID: 19454582, 19802898). Variants that disrupt the consensus splice site are a relatively common cause of aberrant splicing (PMID: 17576681, 9536098). Algorithms developed to predict the effect of sequence changes on RNA splicing suggest that this variant may disrupt the consensus splice site. In summary, the currently available evidence indicates that the variant is pathogenic, but additional data are needed to prove that conclusively. Therefore, this variant has been classified as Likely Pathogenic.

Ambry Genetics
Classification: Pathogenic for Hereditary cancer-predisposing syndrome. Last evaluated: 2015-08-11. Review status: criteria provided, single submitter. Criteria: Ambry Variant Classification Scheme 2023. Collection method: clinical testing. Allele origin: germline.
Comment: The c.642_642+6DdelGGTGAGG pathogenic mutation results from a deletion of the last nucleotide of exon 6 and six nucleotides after coding exon 6 in the SDHB gene. This mutation is predicted to remove the canonical splice sequence as well as create a disruption within the reading frame. This mutation was not reported in population based cohorts in the following databases: Database of Single Nucleotide Polymorphisms (dbSNP), NHLBI Exome Sequencing Project (ESP), and 1000 Genomes Project. In the ESP, this mutation was not observed in 6497 samples (12994 alleles) with coverage at this position. To date, this mutation has been detected with an allele frequency of approximately 0.02% (greater than 6100 alleles tested) in our clinical cohort. These nucleotide positions are highly conserved in available vertebrate species. Using the BDGP and ESEfinder splice site prediction tools, this alteration is predicted to abolish the native donor splice site. Based on the available evidence, c.642_642+6delGGTGAGG is classified as a pathogenic mutation.

Literature cited by the submitters: PubMed 16199547 (cited by Labcorp Genetics (formerly Invitae), Labcorp); PubMed 19454582 (cited by Labcorp Genetics (formerly Invitae), Labcorp); PubMed 19802898 (cited by Labcorp Genetics (formerly Invitae), Labcorp); PubMed 17576681 (cited by Labcorp Genetics (formerly Invitae), Labcorp); PubMed 9536098 (cited by Labcorp Genetics (formerly Invitae), Labcorp).